The following is an entry in ClinVar:

ClinVar aggregate classification (germline): Conflicting classifications of pathogenicity. Review status: criteria provided, conflicting classifications (1 of 4 stars). 3 submissions from 3 submitters: Uncertain significance (1); Likely benign (1). 1 of the submissions does not count toward it. Last evaluated 2025-12-29.

Conditions:
CHARGE syndrome (CHARGE). Also called: CHARGE ASSOCIATION--COLOBOMA, HEART ANOMALY, CHOANAL ATRESIA, RETARDATION, GENITAL AND EAR ANOMALIES; Coloboma, heart anomaly, choanal atresia, retardation, genital and ear anomalies; CHARGE association; Hall-Hittner syndrome; Hittner Hirsch Kreh syndrome. Identifiers: Orphanet 138, MedGen C0265354, MONDO:0008965.
CHD7-related disorder. Also called: CHD7-related condition.

Allele frequency attached by ClinVar (database versions not stated): ExAC 0.00002; gnomAD 0.00003 and 0.00004; gnomAD exomes 0.00005; TOPMed 0.00006.
gnomAD v4.1: 71 of 1,613,882 alleles (0.0044%); highest among the groups gnomAD compares: Non-Finnish European, 0.0058%; no homozygotes.

Submissions (3):

Labcorp Genetics (formerly Invitae), Labcorp
Classification: Likely benign for CHARGE syndrome. Last evaluated: 2025-12-29. Review status: criteria provided, single submitter. Criteria: Invitae Variant Classification Sherloc (09022015). Collection method: clinical testing. Allele origin: germline.

GeneDx
Classification: Uncertain significance. Last evaluated: 2016-11-04. Review status: criteria provided, single submitter. Criteria: GeneDx Variant Classification (06012015). Collection method: clinical testing. Allele origin: germline. Affected: yes.
Comment: The V2102F variant in the CHD7 gene has not been reported previously as a pathogenic variant, nor as a benign variant, to our knowledge. A missense variant in same residue (V2102I) has been reported in an individual diagnosed with CHARGE syndrome, however parental testing was not performed to determine if the variant was inherited or de novo (FÃ©lix et al., 2006). In addition, functional studies of the V2102I variant did not show a disruption defect between CHD7 and CHD8 (Batsukh et al., 2010). The V2102F variant was not observed in approximately 6,300 individuals of European and African American ancestry in the NHLBI Exome Sequencing Project, indicating it is not a common benign variant in these populations. The V2102F variant is a semi-conservative amino acid substitution, which may impact secondary protein structure as these residues differ in some properties. This substitution occurs at a position where amino acids with similar properties to Valine are tolerated across species. In silico analysis predicts this variant is probably damaging to the protein structure/function. We interpret V2102F as a variant of uncertain significance.

PreventionGenetics, part of Exact Sciences
Classification: Uncertain significance for CHD7-related condition. Last evaluated: 2024-08-26. Review status: no assertion criteria provided. Collection method: clinical testing. Allele origin: germline. Not counted in ClinVar's aggregate classification.
Comment: The CHD7 c.6304G>T variant is predicted to result in the amino acid substitution p.Val2102Phe. This variant has been previously observed in a cohort of individuals with CHARGE syndrome and reported as inherited (CHD7-28 in Table 2, Butcher et al. 2017. PubMed ID: 28475860). This variant is reported in 0.013% of alleles in individuals of European (Non-Finnish) descent in gnomAD. While this variant may be benign, at this time, the clinical significance of this variant is uncertain due to the absence of conclusive functional and genetic evidence.

NM_017780.4(CHD7):c.6304G>T (p.Val2102Phe)

Gene: CHD7 (chromodomain helicase DNA binding protein 7; plus strand). Cytogenetic location: 8q12.2.
Variant type: single nucleotide variant.
Coding change: c.6304G>T on transcript NM_017780.4 (MANE Select); coding-DNA position 6304, G replaced by T.
Protein change: p.Val2102Phe; replaces valine 2102 with phenylalanine.
Molecular consequence: missense variant. On other transcripts: intron variant (1).
Genome position (GRCh38, 1-based): chr8:60,853,029, G>T. VCF-style: chr8-60853029-G-T. GRCh37 (hg19) VCF-style: chr8-61765588-G-T.
Other names: c.6304G>T (LRG_176t1); c.1717-9200G>T (NM_001316690.1); short protein forms V2102F.
Identifiers: ClinVar variation 373131 (VCV000373131.12), dbSNP rs753559567, ClinGen allele CA4760569.